The following is an entry in ClinVar:

ClinVar aggregate classification (germline): Pathogenic (1 of 4 stars; one submission).

Conditions:
Factor XII deficiency disease. Also called: Reduced factor XII activity; F12 DEFICIENCY; HAF DEFICIENCY; Congenital factor XII deficiency. Identifiers: Orphanet 330, MedGen C0015526, MONDO:0009315, OMIM 234000, HP:0004841.

Submission:

Juno Genomics, Hangzhou Juno Genomics, Inc
Classification: Pathogenic for Factor XII deficiency disease. Review status: criteria provided, single submitter. Criteria: ACMG Guidelines, 2015. Collection method: clinical testing. Allele origin: germline. Affected: yes.
Comment: Null variant in a gene where loss of function (LOF) is a known mechanism of disease.;Absent from controls (or at extremely low frequency if recessive) in Genome Aggregation Database, Exome Sequencing Project, 1000 Genomes Project, or Exome Aggregation Consortium.;For recessive disorders, detected in trans with a pathogenic variant.

NM_000505.4(F12):c.303_304del (p.His101fs)

Gene: F12 (coagulation factor XII; minus strand). Cytogenetic location: 5q35.3.
Variant type: Microsatellite.
Coding change: c.303_304del on transcript NM_000505.4 (MANE Select); coding-DNA positions 303 to 304, 2 bases deleted (CA; older notation c.303_304delCA).
Protein change: p.His101fs; shifts the reading frame from histidine 101.
Molecular consequence: frameshift variant.
Genome position (GRCh38, 1-based): chr5:177,405,416-177,405,417, TG deleted on the plus strand (CA on the coding strand, the reverse complement: F12 is on the minus strand); deleting any 2 consecutive bases within chr5:177,405,416-177,405,420 gives the same sequence; the c. name uses the placement nearest the transcript's 3' end. VCF-style (leftmost placement, unchanged base first): chr5-177405415-CTG-C. GRCh37 (hg19) VCF-style: chr5-176832416-CTG-C.
Other names: short protein forms H101fs.
Identifiers: ClinVar variation 3381898 (VCV003381898.2).